The following is an entry in ClinVar:

NM_004260.4(RECQL4):c.2177C>T (p.Ala726Val)

Gene: RECQL4 (RecQ like helicase 4; minus strand). Cytogenetic location: 8q24.3.
Variant type: single nucleotide variant.
Coding change: c.2177C>T on transcript NM_004260.4 (MANE Select); coding-DNA position 2177, C replaced by T.
Protein change: p.Ala726Val; replaces alanine 726 with valine.
Molecular consequence: missense variant.
Genome position (GRCh38, 1-based): chr8:144,513,594, G>A on the plus strand (C>T on the coding strand, the complement: RECQL4 is on the minus strand). VCF-style: chr8-144513594-G-A. GRCh37 (hg19) VCF-style: chr8-145738978-G-A.
Other names: short protein forms A726V.
Identifiers: ClinVar variation 1365154 (VCV001365154.6), dbSNP rs2130682790, ClinGen allele CA372679627.

ClinVar aggregate classification (germline): Uncertain significance (1 of 4 stars; one submission).

Conditions:
Baller-Gerold syndrome (BGS). Also called: CRANIOSYNOSTOSIS WITH RADIAL DEFECTS. Identifiers: Orphanet 1225, MedGen C0265308, MONDO:0009039, OMIM 218600.

Submission:

Labcorp Genetics (formerly Invitae), Labcorp
Classification: Uncertain significance for Baller-Gerold syndrome. Last evaluated: 2023-11-13. Review status: criteria provided, single submitter. Criteria: Invitae Variant Classification Sherloc (09022015). Collection method: clinical testing. Allele origin: germline.
Comment: This sequence change replaces alanine, which is neutral and non-polar, with valine, which is neutral and non-polar, at codon 726 of the RECQL4 protein (p.Ala726Val). This variant is not present in population databases (gnomAD no frequency). This variant has not been reported in the literature in individuals affected with RECQL4-related conditions. ClinVar contains an entry for this variant (Variation ID: 1365154). Advanced modeling of protein sequence and biophysical properties (such as structural, functional, and spatial information, amino acid conservation, physicochemical variation, residue mobility, and thermodynamic stability) performed at Invitae indicates that this missense variant is not expected to disrupt RECQL4 protein function with a negative predictive value of 80%. In summary, the available evidence is currently insufficient to determine the role of this variant in disease. Therefore, it has been classified as a Variant of Uncertain Significance.